The following is an entry in ClinVar:

NM_001142800.2(EYS):c.1432G>A (p.Glu478Lys)

Gene: EYS (eyes shut homolog; minus strand). Cytogenetic location: 6q12.
Variant type: single nucleotide variant.
Coding change: c.1432G>A on transcript NM_001142800.2 (MANE Select); coding-DNA position 1432, G replaced by A.
Protein change: p.Glu478Lys; replaces glutamic acid 478 with lysine.
Molecular consequence: missense variant.
Genome position (GRCh38, 1-based): chr6:65,353,485, C>T on the plus strand (G>A on the coding strand, the complement: EYS is on the minus strand). VCF-style: chr6-65353485-C-T. GRCh37 (hg19) VCF-style: chr6-66063378-C-T.
Other names: c.1432G>A, p.Glu478Lys (NM_001142801.2, NM_001292009.2, NM_198283.2); short protein forms E478K.
Identifiers: ClinVar variation 991141 (VCV000991141.3), dbSNP rs1403117224, ClinGen allele CA364661664.
Genomic context (GRCh38, chr6:65,353,485, plus strand): 5'-AGCAGATTGAAAAAAATTACATAAATTTGTTACCTGCAAATCCCAATTGCCACACATATT[C>T]AAATTGAGCAGGACCTTTATCTTGGCAAATACCATGGAAGGTGACTCCACAGTAGCAGAG-3'
Protein context (NP_001136272.1, residues 468-488): ICQDKGPAQF[Glu478Lys]YVWQLGFAGS

ClinVar aggregate classification (germline): Uncertain significance. Review status: criteria provided, single submitter (1 of 4 stars). 2 submissions from 2 submitters: Uncertain significance (1). 1 of the submissions does not count toward it. Last evaluated 2022-05-25.

Conditions:
Autosomal recessive retinitis pigmentosa. Identifiers: MedGen C0339526.

Allele frequency attached by ClinVar (database versions not stated): gnomAD exomes below 0.00001 and 0.00001.
gnomAD v4.1: 3 of 1,613,098 alleles (0.00019%); highest among the groups gnomAD compares: Admixed American, 0.0033%; no homozygotes.

Submissions (2):

Labcorp Genetics (formerly Invitae), Labcorp
Classification: Uncertain significance. Last evaluated: 2022-05-25. Review status: criteria provided, single submitter. Criteria: Invitae Variant Classification Sherloc (09022015). Collection method: clinical testing. Allele origin: germline.
Comment: This sequence change replaces glutamic acid, which is acidic and polar, with lysine, which is basic and polar, at codon 478 of the EYS protein (p.Glu478Lys). This variant is present in population databases (no rsID available, gnomAD 0.003%). This variant has not been reported in the literature in individuals affected with EYS-related conditions. ClinVar contains an entry for this variant (Variation ID: 991141). Algorithms developed to predict the effect of missense changes on protein structure and function output the following: SIFT: "Tolerated"; PolyPhen-2: "Benign"; Align-GVGD: "Class C0". The lysine amino acid residue is found in multiple mammalian species, which suggests that this missense change does not adversely affect protein function. In summary, the available evidence is currently insufficient to determine the role of this variant in disease. Therefore, it has been classified as a Variant of Uncertain Significance.

Natera, Inc.
Classification: Uncertain significance for Autosomal recessive retinitis pigmentosa. Last evaluated: 2020-07-22. Review status: no assertion criteria provided. Collection method: clinical testing. Allele origin: germline. Not counted in ClinVar's aggregate classification.